The following is an entry in ClinVar:

ClinVar aggregate classification (germline): Likely benign (1 of 4 stars; one submission).

Allele frequency attached by ClinVar (database versions not stated): gnomAD exomes below 0.00001; gnomAD 0.00001.
gnomAD v4.1: 2 of 1,451,616 alleles (0.00014%); highest among the groups gnomAD compares: African/African-American, 0.0014%; no homozygotes.

Submission:

CeGaT Center for Human Genetics Tuebingen
Classification: Likely benign. Last evaluated: 2023-02-01. Review status: criteria provided, single submitter. Criteria: CeGaT Center For Human Genetics Tuebingen Variant Classification Criteria Version 2. Collection method: clinical testing. Allele origin: germline. Affected: yes. Observed: 1 variant allele.
Comment: RALGAPA1: BP4, BP7

NM_001346249.2(RALGAPA1):c.3645A>G (p.Leu1215=)

Gene: RALGAPA1 (Ral GTPase activating protein catalytic subunit alpha 1; minus strand). Cytogenetic location: 14q13.2.
Variant type: single nucleotide variant.
Coding change: c.3645A>G on transcript NM_001346249.2 (MANE Select); coding-DNA position 3645, A replaced by G.
Protein change: p.Leu1215=; no amino-acid change (leucine 1215 retained).
Molecular consequence: synonymous variant. On other transcripts: intron variant (8).
Genome position (GRCh38, 1-based): chr14:35,688,766, T>C on the plus strand (A>G on the coding strand, the complement: RALGAPA1 is on the minus strand). VCF-style: chr14-35688766-T-C. GRCh37 (hg19) VCF-style: chr14-36157972-T-C.
Other names: c.3504A>G, p.Leu1168= (NM_001330075.3, NM_001346248.2); c.2434+1070A>G (NM_194301.4, NM_001346246.2, NM_014990.3 and 1 more transcripts); c.2435-226A>G (NM_001283043.3); c.2575+1070A>G (NM_001346247.2, NM_001283044.3, NM_001346245.2).
Identifiers: ClinVar variation 2644170 (VCV002644170.24), dbSNP rs2066202541, ClinGen allele CA961953369.
Genomic context (GRCh38, chr14:35,688,766, plus strand): 5'-GGGAATCTCTGTGGATTCCTTCACTGTTTTGCTGCTTACTGATGCAGTACCAAGTGTATC[T>C]AGAGGTCTGTACACACCAGGTTTTACTAGCTCTGTAGCACTATTTGTGCTGGTATGGGTG-3'
Protein context (NP_001333178.1, residues 1205-1225): ELVKPGVYRP[Leu1215=]DTLGTASVSS